The following is an entry in ClinVar:

NM_003322.6(TULP1):c.477G>C (p.Arg159Ser)

Gene: TULP1 (TUB like protein 1; minus strand). Cytogenetic location: 6p21.31.
Variant type: single nucleotide variant.
Coding change: c.477G>C on transcript NM_003322.6 (MANE Select); coding-DNA position 477, G replaced by C.
Protein change: p.Arg159Ser; replaces arginine 159 with serine.
Molecular consequence: missense variant.
Genome position (GRCh38, 1-based): chr6:35,510,883, C>G on the plus strand (G>C on the coding strand, the complement: TULP1 is on the minus strand). VCF-style: chr6-35510883-C-G. GRCh37 (hg19) VCF-style: chr6-35478660-C-G.
Other names: c.318G>C, p.Arg106Ser (NM_001289395.2); short protein forms R159S, R106S.
Identifiers: ClinVar variation 356472 (VCV000356472.9), dbSNP rs749882966, ClinGen allele CA3772913.

ClinVar aggregate classification (germline): Uncertain significance. Review status: criteria provided, multiple submitters, no conflicts (2 of 4 stars). 4 submissions from 3 submitters: Uncertain significance (4). Last evaluated 2022-07-13.

Conditions:
Inborn genetic diseases. Identifiers: MedGen C0950123, MeSH D030342.
Leber congenital amaurosis 15 (LCA15). Identifiers: Orphanet 65, MedGen C3151206, MONDO:0013457, OMIM 613843.
Retinitis pigmentosa (RP). Identifiers: Orphanet 791, MedGen C0035334, MeSH D012174, MONDO:0019200, OMIM 268000. Inheritance: Autosomal dominant, autosomal recessive and X linked inheritance.

Allele frequency attached by ClinVar (database versions not stated): gnomAD exomes below 0.00001; TOPMed below 0.00001; ExAC 0.00001.
gnomAD v4.1: 30 of 1,614,002 alleles (0.0019%); highest among the groups gnomAD compares: Non-Finnish European, 0.0025%; no homozygotes.

Submissions (4):

Labcorp Genetics (formerly Invitae), Labcorp
Classification: Uncertain significance. Last evaluated: 2022-07-13. Review status: criteria provided, single submitter. Criteria: Invitae Variant Classification Sherloc (09022015). Collection method: clinical testing. Allele origin: germline.
Comment: This sequence change replaces arginine, which is basic and polar, with serine, which is neutral and polar, at codon 159 of the TULP1 protein (p.Arg159Ser). This variant is present in population databases (rs749882966, gnomAD 0.0009%). This variant has not been reported in the literature in individuals affected with TULP1-related conditions. ClinVar contains an entry for this variant (Variation ID: 356472). Algorithms developed to predict the effect of missense changes on protein structure and function are either unavailable or do not agree on the potential impact of this missense change (SIFT: "Not Available"; PolyPhen-2: "Benign"; Align-GVGD: "Not Available"). In summary, the available evidence is currently insufficient to determine the role of this variant in disease. Therefore, it has been classified as a Variant of Uncertain Significance.

Ambry Genetics
Classification: Uncertain significance for Inborn genetic diseases. Last evaluated: 2021-09-01. Review status: criteria provided, single submitter. Criteria: Ambry Variant Classification Scheme 2023. Collection method: clinical testing. Allele origin: germline.

Illumina Laboratory Services, Illumina
Classification: Uncertain significance for Leber congenital amaurosis 15. Last evaluated: 2018-01-12. Review status: criteria provided, single submitter. Criteria: ICSL Variant Classification Criteria 13 December 2019. Collection method: clinical testing. Allele origin: germline.

Illumina Laboratory Services, Illumina
Classification: Uncertain significance for Retinitis pigmentosa. Last evaluated: 2018-01-12. Review status: criteria provided, single submitter. Criteria: ICSL Variant Classification Criteria 13 December 2019. Collection method: clinical testing. Allele origin: germline.